The following is an entry in ClinVar:

NM_000051.4(ATM):c.6146A>G (p.Tyr2049Cys)

Genes: C11orf65 (chromosome 11 open reading frame 65; minus strand), ATM (ATM serine/threonine kinase; plus strand). Cytogenetic location: 11q22.3.
Variant type: single nucleotide variant.
Coding change: c.6146A>G on transcript NM_000051.4 (MANE Select); coding-DNA position 6146, A replaced by G.
Protein change: p.Tyr2049Cys; replaces tyrosine 2049 with cysteine.
Molecular consequence: missense variant. On other transcripts: intron variant (2).
Genome position (GRCh38, 1-based): chr11:108,316,061, A>G. VCF-style: chr11-108316061-A-G. GRCh37 (hg19) VCF-style: chr11-108186788-A-G.
Other names: c.6146A>G, p.Tyr2049Cys (NM_001351834.2); c.641-6990T>C (NM_001330368.2); c.*39-6990T>C (NM_001351110.2); short protein forms Y2049C.
Identifiers: ClinVar variation 663041 (VCV000663041.25), dbSNP rs1233757467, ClinGen allele CA382550552.

ClinVar aggregate classification (germline): Uncertain significance. Review status: criteria provided, multiple submitters, no conflicts (2 of 4 stars). 4 submissions from 4 submitters: Uncertain significance (3). 1 of the submissions does not count toward it. Last evaluated 2025-09-23.

Conditions:
Hereditary cancer-predisposing syndrome. Also called: Tumor predisposition; Hereditary neoplastic syndrome; Neoplastic Syndromes, Hereditary; Hereditary Cancer Syndrome. Identifiers: Orphanet 140162, MedGen C0027672, MeSH D009386, MONDO:0015356.
Ataxia-telangiectasia syndrome (AT). Also called: Ataxia-telangiectasia, complementation group D; AT, COMPLEMENTATION GROUP C; ATAXIA-TELANGIECTASIA, COMPLEMENTATION GROUP A; ATAXIA-TELANGIECTASIA, FRESNO VARIANT; Ataxia-telangiectasia; LOUIS-BAR SYNDROME. Identifiers: Orphanet 100, MedGen C0004135, MONDO:0008840, OMIM 208900.

Allele frequency attached by ClinVar (database versions not stated): gnomAD exomes below 0.00001.
gnomAD v4.1: 1 of 1,614,176 alleles (0.000062%); highest among the groups gnomAD compares: Non-Finnish European, 0.000085%; no homozygotes.

Submissions (4):

Ambry Genetics
Classification: Uncertain significance for Hereditary cancer-predisposing syndrome. Last evaluated: 2025-09-23. Review status: criteria provided, single submitter. Criteria: Ambry Variant Classification Scheme 2023. Collection method: clinical testing. Allele origin: germline.
Comment: The p.Y2049C variant (also known as c.6146A>G), located in coding exon 41 of the ATM gene, results from an A to G substitution at nucleotide position 6146. The tyrosine at codon 2049 is replaced by cysteine, an amino acid with highly dissimilar properties. This amino acid position is highly conserved in available vertebrate species. In addition, the in silico prediction for this alteration is inconclusive. Since supporting evidence is limited at this time, the clinical significance of this alteration remains unclear.

Labcorp Genetics (formerly Invitae), Labcorp
Classification: Uncertain significance for Ataxia-telangiectasia syndrome. Last evaluated: 2024-09-17. Review status: criteria provided, single submitter. Criteria: Invitae Variant Classification Sherloc (09022015). Collection method: clinical testing. Allele origin: germline.
Comment: This sequence change replaces tyrosine, which is neutral and polar, with cysteine, which is neutral and slightly polar, at codon 2049 of the ATM protein (p.Tyr2049Cys). This variant is present in population databases (no rsID available, gnomAD 0.0009%). This variant has not been reported in the literature in individuals affected with ATM-related conditions. ClinVar contains an entry for this variant (Variation ID: 663041). An algorithm developed to predict the effect of missense changes on protein structure and function (PolyPhen-2) suggests that this variant is likely to be disruptive. RNA analysis performed to evaluate the impact of this missense change on mRNA splicing indicates it does not significantly alter splicing (internal data). In summary, the available evidence is currently insufficient to determine the role of this variant in disease. Therefore, it has been classified as a Variant of Uncertain Significance.

GeneDx
Classification: Uncertain significance. Last evaluated: 2024-09-05. Review status: criteria provided, single submitter. Criteria: GeneDx Variant Classification Process June 2021. Collection method: clinical testing. Allele origin: germline. Affected: yes.
Comment: Not observed at significant frequency in large population cohorts (gnomAD); In silico analysis supports that this missense variant has a deleterious effect on protein structure/function; Has not been previously published as pathogenic or benign to our knowledge; This variant is associated with the following publications: (PMID: 23532176)

Natera, Inc.
Classification: Uncertain significance for Ataxia-telangiectasia. Last evaluated: 2020-08-11. Review status: no assertion criteria provided. Collection method: clinical testing. Allele origin: germline. Not counted in ClinVar's aggregate classification.